The following is an entry in ClinVar:

NM_001008537.3(NEXMIF):c.4422G>A (p.Lys1474=)

Gene: NEXMIF (neurite extension and migration factor; minus strand). Cytogenetic location: Xq13.3.
Variant type: single nucleotide variant.
Coding change: c.4422G>A on transcript NM_001008537.3 (MANE Select); coding-DNA position 4422, G replaced by A.
Protein change: p.Lys1474=; no amino-acid change (lysine 1474 retained).
Molecular consequence: synonymous variant.
Genome position (GRCh38, 1-based): chrX:74,740,135, C>T on the plus strand (G>A on the coding strand, the complement: NEXMIF is on the minus strand). VCF-style: chrX-74740135-C-T. GRCh37 (hg19) VCF-style: chrX-73959970-C-T.
Other names: p.Lys1474=.
Identifiers: ClinVar variation 716580 (VCV000716580.51), dbSNP rs371190782, ClinGen allele CA10454831.

ClinVar aggregate classification (germline): Benign/Likely benign. Review status: criteria provided, multiple submitters, no conflicts (2 of 4 stars). 8 submissions from 8 submitters: Benign (2); Likely benign (3). 3 of the submissions do not count toward it. Last evaluated 2026-02-03.

Conditions:
NEXMIF-related disorder. Also called: NEXMIF-related condition.

Allele frequency attached by ClinVar (database versions not stated): gnomAD exomes 0.00016 and 0.00012; ESP Exome Variant Server 0.00009; gnomAD 0.00009 and 0.00010; TOPMed 0.00009; ExAC 0.00015.
gnomAD v4.1: 149 of 1,208,685 alleles (0.012%); highest among the groups gnomAD compares: Middle Eastern, 0.8%; 3 homozygotes.

Submissions (8):

Labcorp Genetics (formerly Invitae), Labcorp
Classification: Benign. Last evaluated: 2026-02-03. Review status: criteria provided, single submitter. Criteria: Invitae Variant Classification Sherloc (09022015). Collection method: clinical testing. Allele origin: germline.

Mayo Clinic Laboratories, Mayo Clinic
Classification: Benign. Last evaluated: 2025-07-15. Review status: criteria provided, single submitter. Criteria: ACMG Guidelines, 2015. Collection method: clinical testing. Allele origin: germline. Observed: 1 variant allele.
Comment: BS1, BS2, BP4, BP7

Blueprint Genetics
Classification: Likely benign. Last evaluated: 2024-10-17. Review status: criteria provided, single submitter. Criteria: ACMG Guidelines, 2015. Collection method: clinical testing. Allele origin: germline.

CeGaT Center for Human Genetics Tuebingen
Classification: Likely benign. Last evaluated: 2024-06-01. Review status: criteria provided, single submitter. Criteria: CeGaT Center For Human Genetics Tuebingen Variant Classification Criteria Version 2. Collection method: clinical testing. Allele origin: germline. Affected: yes. Observed: 2 variant alleles.
Comment: NEXMIF: BP4, BS2

GeneDx
Classification: Likely benign. Last evaluated: 2018-09-10. Review status: criteria provided, single submitter. Criteria: GeneDx Variant Classification Process June 2021. Collection method: clinical testing. Allele origin: germline. Affected: yes.

PreventionGenetics, part of Exact Sciences
Classification: Likely benign for NEXMIF-related condition. Last evaluated: 2019-09-05. Review status: no assertion criteria provided. Collection method: clinical testing. Allele origin: germline. Not counted in ClinVar's aggregate classification.
Comment: This variant is classified as likely benign based on ACMG/AMP sequence variant interpretation guidelines (Richards et al. 2015 PMID: 25741868, with internal and published modifications).

Clinical Genetics DNA and cytogenetics Diagnostics Lab, Erasmus MC, Erasmus Medical Center
Classification: Likely benign. Review status: no assertion criteria provided. Collection method: clinical testing. Allele origin: germline. Affected: yes. Study: VKGL Data-share Consensus. Not counted in ClinVar's aggregate classification.

Genome Diagnostics Laboratory, University Medical Center Utrecht
Classification: Likely benign. Review status: no assertion criteria provided. Collection method: clinical testing. Allele origin: germline. Affected: yes. Study: VKGL Data-share Consensus. Not counted in ClinVar's aggregate classification.